The following is an entry in ClinVar:

NM_001042492.3(NF1):c.3032_3033del (p.Ile1011fs)

Gene: NF1 (neurofibromin 1; plus strand). Cytogenetic location: 17q11.2.
Variant type: Deletion.
Coding change: c.3032_3033del on transcript NM_001042492.3 (MANE Select); coding-DNA positions 3032 to 3033, 2 bases deleted (TA; older notation c.3032_3033delTA).
Protein change: p.Ile1011fs; shifts the reading frame from isoleucine 1011.
Molecular consequence: frameshift variant.
Genome position (GRCh38, 1-based): chr17:31,230,301-31,230,302, TA deleted; deleting any 2 consecutive bases within chr17:31,230,300-31,230,302 gives the same sequence; the c. name uses the placement nearest the transcript's 3' end. VCF-style (leftmost placement, unchanged base first): chr17-31230299-AAT-A. GRCh37 (hg19) VCF-style: chr17-29557317-AAT-A.
Other names: c.3032_3033delTA, p.Ile1011Lysfs (NM_000267.4); short protein forms I1011fs.
Identifiers: ClinVar variation 1075031 (VCV001075031.5), dbSNP rs2151431569, ClinGen allele CA2499224081.

ClinVar aggregate classification (germline): Pathogenic (1 of 4 stars; one submission).

Conditions:
Neurofibromatosis, type 1 (NF1). Also called: VON RECKLINGHAUSEN DISEASE; Peripheral type neurofibromatosis; NEUROFIBROMATOSIS, TYPE I, SOMATIC; Neurofibromatosis, type I. Identifiers: Orphanet 636, MedGen C0027831, MONDO:0018975, OMIM 162200. Disease mechanism: loss of function.

Submission:

Labcorp Genetics (formerly Invitae), Labcorp
Classification: Pathogenic for Neurofibromatosis, type 1. Last evaluated: 2020-08-22. Review status: criteria provided, single submitter. Criteria: Invitae Variant Classification Sherloc (09022015). Collection method: clinical testing. Allele origin: germline.
Comment: This variant has not been reported in the literature in individuals with NF1-related conditions. Loss-of-function variants in NF1 are known to be pathogenic (PMID: 10712197, 23913538). For these reasons, this variant has been classified as Pathogenic. This variant is not present in population databases (ExAC no frequency). This sequence change creates a premature translational stop signal (p.Ile1011Lysfs*9) in the NF1 gene. It is expected to result in an absent or disrupted protein product.

Literature cited by the submitters: PubMed 10712197; PubMed 23913538.